The following is an entry in ClinVar:

NM_000489.6(ATRX):c.467A>G (p.Asn156Ser)

Gene: ATRX (ATRX chromatin remodeler; minus strand). Cytogenetic location: Xq21.1.
Variant type: single nucleotide variant.
Coding change: c.467A>G on transcript NM_000489.6 (MANE Select); coding-DNA position 467, A replaced by G.
Protein change: p.Asn156Ser; replaces asparagine 156 with serine.
Genome position (GRCh38, 1-based): chrX:77,693,841, T>C on the plus strand (A>G on the coding strand, the complement: ATRX is on the minus strand). VCF-style: chrX-77693841-T-C. GRCh37 (hg19) VCF-style: chrX-76949330-T-C.
Other names: c.370+2736A>G (NM_138270.5); c.467A>G (NM_000489.5); short protein forms N156S.
Identifiers: ClinVar variation 1691785 (VCV001691785.4), dbSNP rs2148669776, ClinGen allele CA413722878.

ClinVar aggregate classification (germline): Uncertain significance. Review status: criteria provided, multiple submitters, no conflicts (2 of 4 stars). 3 submissions from 3 submitters: Uncertain significance (2). 1 of the submissions does not count toward it. Last evaluated 2022-06-14.

Conditions:
Alpha thalassemia-X-linked intellectual disability syndrome (ATRX). Also called: ALPHA-THALASSEMIA/MENTAL RETARDATION SYNDROME, X-LINKED; ATR, NONDELETION TYPE; X-linked alpha-thalassemia-mental retardation syndrome; ATR-X syndrome; Alpha thalassemia mental retardation syndrome, nondeletion type, X-linked; XLMR hypotonic face syndrome. Identifiers: Orphanet 847, MedGen C1845055, MONDO:0010519, OMIM 301040.

Submissions (3):

GeneDx
Classification: Uncertain significance. Last evaluated: 2022-06-14. Review status: criteria provided, single submitter. Criteria: GeneDx Variant Classification Process June 2021. Collection method: clinical testing. Allele origin: germline. Affected: yes.
Comment: Has not been previously published as pathogenic or benign to our knowledge; Not observed in large population cohorts (gnomAD); In silico analysis supports that this missense variant does not alter protein structure/function

Blueprint Genetics
Classification: Uncertain significance. Last evaluated: 2020-06-11. Review status: criteria provided, single submitter. Criteria: ACMG Guidelines, 2015. Collection method: clinical testing. Allele origin: germline.

Natera, Inc.
Classification: Uncertain significance for X-linked alpha-thalassemia-mental retardation syndrome. Last evaluated: 2025-04-10. Review status: no assertion criteria provided. Collection method: clinical testing. Allele origin: germline. Not counted in ClinVar's aggregate classification.